The following is an entry in ClinVar:

NM_004329.3(BMPR1A):c.790T>G (p.Phe264Val)

Gene: BMPR1A (bone morphogenetic protein receptor type 1A; plus strand). Cytogenetic location: 10q23.2.
Variant type: single nucleotide variant.
Coding change: c.790T>G on transcript NM_004329.3 (MANE Select); coding-DNA position 790, T replaced by G.
Protein change: p.Phe264Val; replaces phenylalanine 264 with valine.
Molecular consequence: missense variant. On other transcripts: non-coding transcript variant (3).
Genome position (GRCh38, 1-based): chr10:86,917,248, T>G. VCF-style: chr10-86917248-T-G. GRCh37 (hg19) VCF-style: chr10-88677005-T-G.
Other names: c.706T>G, p.Phe236Val (NM_001406586.1, NM_001406587.1, NM_001406588.1 and 2 more transcripts); c.448T>G, p.Phe150Val (NM_001406589.1); c.865T>G, p.Phe289Val (NM_001406559.1); c.838T>G, p.Phe280Val (NM_001406560.1); c.790T>G, p.Phe264Val (NM_001406561.1, NM_001406562.1, NM_001406563.1 and 19 more transcripts); c.784T>G, p.Phe262Val (NM_001406583.1); short protein forms F150V, F236V, F262V, F264V, F280V, F289V.
Identifiers: ClinVar variation 3894425 (VCV003894425.1).

ClinVar aggregate classification (germline): Uncertain significance (1 of 4 stars; one submission).

Conditions:
Hereditary cancer-predisposing syndrome. Also called: Neoplastic Syndromes, Hereditary; Tumor predisposition; Hereditary Cancer Syndrome; Hereditary neoplastic syndrome. Identifiers: Orphanet 140162, MedGen C0027672, MeSH D009386, MONDO:0015356.

Submission:

Color Diagnostics, LLC DBA Color Health
Classification: Uncertain significance for Hereditary cancer-predisposing syndrome. Last evaluated: 2024-01-02. Review status: criteria provided, single submitter. Criteria: ACMG Guidelines, 2015. Collection method: clinical testing. Allele origin: germline.
Comment: This missense variant replaces phenylalanine with valine at codon 264 of the BMPR1A protein. Computational prediction is inconclusive regarding the impact of this variant on protein structure and function (internally defined REVEL score threshold 0.5 < inconclusive < 0.7, PMID: 27666373). To our knowledge, functional studies have not been reported for this variant. This variant has not been reported in individuals affected with BMPR1A-related disorders in the literature. This variant has not been identified in the general population by the Genome Aggregation Database (gnomAD). The available evidence is insufficient to determine the role of this variant in disease conclusively. Therefore, this variant is classified as a Variant of Uncertain Significance.